The following is an entry in ClinVar:

ClinVar aggregate classification (germline): Conflicting classifications of pathogenicity. Review status: criteria provided, conflicting classifications (1 of 4 stars). 3 submissions from 2 submitters: Uncertain significance (2); Benign (1). Last evaluated 2022-07-19.

Conditions:
Emery-Dreifuss muscular dystrophy 4, autosomal dominant (EDMD4). Also called: EMERY-DREIFUSS MUSCULAR DYSTROPHY 4 WITH VARIABLE FEATURES. Identifiers: Orphanet 261, MedGen C2751807, MONDO:0013071, OMIM 612998.
Autosomal recessive ataxia, Beauce type. Also called: Spinocerebellar ataxia, autosomal recessive 8; ATAXIA, RECESSIVE, OF BEAUCE; SYNE1-Related Autosomal Recessive Cerebellar Ataxia; SYNE1 Deficiency. Identifiers: Orphanet 88644, MedGen C1853116, MONDO:0012549, OMIM 610743.

Allele frequency attached by ClinVar (database versions not stated): TOPMed 0.00002; gnomAD 0.00004 and 0.00009; ExAC 0.00005; gnomAD exomes 0.00007 and 0.00020; 1000 Genomes Project 30x 0.00031; 1000 Genomes Project 0.00040.
gnomAD v4.1: 302 of 1,613,804 alleles (0.019%); highest among the groups gnomAD compares: East Asian, 0.66%; 3 homozygotes.

Submissions (3):

Labcorp Genetics (formerly Invitae), Labcorp
Classification: Uncertain significance for Emery-Dreifuss muscular dystrophy 4, autosomal dominant; Autosomal recessive ataxia, Beauce type. Last evaluated: 2022-07-19. Review status: criteria provided, single submitter. Criteria: Invitae Variant Classification Sherloc (09022015). Collection method: clinical testing. Allele origin: germline.
Comment: This sequence change falls in intron 137 of the SYNE1 gene. It does not directly change the encoded amino acid sequence of the SYNE1 protein. It affects a nucleotide within the consensus splice site. This variant is present in population databases (rs202030113, gnomAD 0.1%). This variant has not been reported in the literature in individuals affected with SYNE1-related conditions. ClinVar contains an entry for this variant (Variation ID: 662469). Variants that disrupt the consensus splice site are a relatively common cause of aberrant splicing (PMID: 17576681, 9536098). Algorithms developed to predict the effect of sequence changes on RNA splicing suggest that this variant may disrupt the consensus splice site. In summary, the available evidence is currently insufficient to determine the role of this variant in disease. Therefore, it has been classified as a Variant of Uncertain Significance.

Illumina Laboratory Services, Illumina
Classification: Uncertain significance for Autosomal recessive ataxia, Beauce type. Last evaluated: 2018-01-12. Review status: criteria provided, single submitter. Criteria: ICSL Variant Classification Criteria 13 December 2019. Collection method: clinical testing. Allele origin: germline.

Illumina Laboratory Services, Illumina
Classification: Benign for Emery-Dreifuss muscular dystrophy 4, autosomal dominant. Last evaluated: 2018-01-12. Review status: criteria provided, single submitter. Criteria: ICSL Variant Classification Criteria 13 December 2019. Collection method: clinical testing. Allele origin: germline.
Comment: This variant was observed in the ICSL laboratory as part of a predisposition screen in an ostensibly healthy population. It had not been previously curated by ICSL or reported in the Human Gene Mutation Database (HGMD: prior to June 1st, 2018), and was therefore a candidate for classification through an automated scoring system. Utilizing variant allele frequency, disease prevalence and penetrance estimates, and inheritance mode, an automated score was calculated to assess if this variant is too frequent to cause the disease. Based on the score and internal cut-off values, a variant classified as benign is not then subjected to further curation. The score for this variant resulted in a classification of benign for this disease.

Literature cited by the submitters: PubMed 17576681 (cited by Labcorp Genetics (formerly Invitae), Labcorp); PubMed 9536098 (cited by Labcorp Genetics (formerly Invitae), Labcorp).

NM_182961.4(SYNE1):c.24977-1719A>G

Gene: SYNE1 (spectrin repeat containing nuclear envelope protein 1; minus strand). Cytogenetic location: 6q25.2.
Variant type: single nucleotide variant.
Coding change: c.24977-1719A>G on transcript NM_182961.4 (MANE Select); 1719 bases into the intron before coding-DNA position 24977, A replaced by G.
Molecular consequence: intron variant.
Genome position (GRCh38, 1-based): chr6:152,145,484, T>C on the plus strand (A>G on the coding strand, the complement: SYNE1 is on the minus strand). VCF-style: chr6-152145484-T-C. GRCh37 (hg19) VCF-style: chr6-152466619-T-C.
Other names: c.24832+3A>G (NM_033071.5); c.1583-1719A>G (NM_001347701.2); c.1510+3A>G (NM_001347702.2).
Identifiers: ClinVar variation 662469 (VCV000662469.7), dbSNP rs202030113, ClinGen allele CA4053013.
Genomic context (GRCh38, chr6:152,145,484, plus strand): 5'-CTAAGAGAGGAGGATTGCTATACAGGGGAGGGAGGGAGGCTGGCTCCGGCTTGTTGTGCC[T>C]ACCGGAGGTATTTTTGATTGCATTTTCTGTGAGTTTTACATAGGCCTCAGGGCTTTCGGG-3'